The following is an entry in ClinVar:

ClinVar aggregate classification (germline): Likely benign. Review status: criteria provided, single submitter (1 of 4 stars). 2 submissions from 2 submitters: Likely benign (1). 1 of the submissions does not count toward it. Last evaluated 2018-11-26.

Conditions:
SLC36A2-related disorder. Also called: SLC36A2-related condition.

Allele frequency attached by ClinVar (database versions not stated): ESP Exome Variant Server 0.00062; TOPMed 0.00063; 1000 Genomes Project 0.00120; 1000 Genomes Project 30x 0.00156.
gnomAD v4.1: 169 of 1,614,086 alleles (0.01%); highest among the groups gnomAD compares: African/African-American, 0.18%; no homozygotes.

Submissions (2):

Labcorp Genetics (formerly Invitae), Labcorp
Classification: Likely benign. Last evaluated: 2018-11-26. Review status: criteria provided, single submitter. Criteria: Invitae Variant Classification Sherloc (09022015). Collection method: clinical testing. Allele origin: germline.

PreventionGenetics, part of Exact Sciences
Classification: Likely benign for SLC36A2-related condition. Last evaluated: 2020-05-05. Review status: no assertion criteria provided. Collection method: clinical testing. Allele origin: germline. Not counted in ClinVar's aggregate classification.
Comment: This variant is classified as likely benign based on ACMG/AMP sequence variant interpretation guidelines (Richards et al. 2015 PMID: 25741868, with internal and published modifications).

NM_181776.3(SLC36A2):c.1236C>A (p.Ser412=)

Gene: SLC36A2 (solute carrier family 36 member 2; minus strand). Cytogenetic location: 5q33.1.
Variant type: single nucleotide variant.
Coding change: c.1236C>A on transcript NM_181776.3 (MANE Select); coding-DNA position 1236, C replaced by A.
Protein change: p.Ser412=; no amino-acid change (serine 412 retained).
Molecular consequence: synonymous variant.
Genome position (GRCh38, 1-based): chr5:151,317,033, G>T on the plus strand (C>A on the coding strand, the complement: SLC36A2 is on the minus strand). VCF-style: chr5-151317033-G-T. GRCh37 (hg19) VCF-style: chr5-150696594-G-T.
Identifiers: ClinVar variation 795082 (VCV000795082.5), dbSNP rs139985763, ClinGen allele CA3518582.
Genomic context (GRCh38, chr5:151,317,033, plus strand): 5'-GTAGAACGTGGTGACCTCCAGGAGCGGTGGGATGATGAGGGCCAGGGCGGTGCCACTCAC[G>T]GAGCCCACCAGGGAGATGACCAGGTCCAGGCGGGGGATGAGGATGGCCAGGAGGCCTGCA-3'
Protein context (NP_861441.2, residues 402-422): RLDLVISLVG[Ser412=]VSGTALALII